The following is an entry in ClinVar:

NC_000002.12:g.121531003G>T

Genes: CLASP1-AS1 (CLASP1 antisense RNA 1; plus strand), RNU4ATAC (RNA, U4atac small nuclear; plus strand), CLASP1 (cytoplasmic linker associated protein 1; minus strand). Cytogenetic location: 2q14.2.
Variant type: single nucleotide variant.
Molecular consequence: intron variant (on NM_001395891.1).
Genome position: GRCh38 VCF-style: chr2-121531003-G-T. GRCh37 (hg19) VCF-style: chr2-122288579-G-T.
Other names: c.196-678C>A (NM_001142274.2, NM_015282.3, NM_001378003.1 and 5 more transcripts).
Identifiers: ClinVar variation 2813456 (VCV002813456.3), dbSNP rs544312701, ClinGen allele CA54811038.
Genomic context (GRCh38, chr2:121,531,003, plus strand): 5'-ACGCCTGAACAACACACCCGCATCAACTAGAGCTTTTGCTTTATTTTGGTGCAATTTTTG[G>T]AAAAATGAAAACCTGTTTTCATAGACTTATCAGTTCAAACAGCAGTAATTCGTAAATAAA-3'

ClinVar aggregate classification (germline): Pathogenic (1 of 4 stars; one submission).

Submission:

Labcorp Genetics (formerly Invitae), Labcorp
Classification: Pathogenic. Last evaluated: 2025-10-02. Review status: criteria provided, single submitter. Criteria: Invitae Variant Classification Sherloc (09022015). Collection method: clinical testing. Allele origin: germline.
Comment: This variant occurs in the RNU4ATAC gene, which encodes an RNA molecule that does not result in a protein product. This variant is not present in population databases (gnomAD no frequency). This variant has been observed in individual(s) with RNU4ATAC-related conditions (internal data). In at least one individual the variant was observed to be de novo. ClinVar contains an entry for this variant (Variation ID: 2813456). Experimental studies and prediction algorithms are not available or were not evaluated, and the functional significance of this variant is currently unknown. For these reasons, this variant has been classified as Pathogenic.